The following is an entry in ClinVar:

ClinVar aggregate classification (germline): Pathogenic (1 of 4 stars; one submission).

Conditions:
Androgen resistance syndrome (AIS). Also called: Androgen insensitivity, complete; DIHYDROTESTOSTERONE RECEPTOR DEFICIENCY; Androgen insensitivity syndrome due to coactivator deficiency; Androgen insensitivity; TESTICULAR FEMINIZATION SYNDROME; ANDROGEN RECEPTOR DEFICIENCY. Identifiers: Orphanet 754, Orphanet 99429, MedGen C0039585, MONDO:0019154, OMIM 300068. Disease mechanism: loss of function.
Kennedy disease (SMAX1). Also called: KENNEDY SPINAL AND BULBAR MUSCULAR ATROPHY; SPINAL AND BULBAR MUSCULAR ATROPHY, X-LINKED 1; Spinal and Bulbar Muscular Atrophy. Identifiers: Orphanet 481, MedGen C1839259, MONDO:0010735, OMIM 313200.

Submission:

Labcorp Genetics (formerly Invitae), Labcorp
Classification: Pathogenic for Kennedy disease; Androgen resistance syndrome. Last evaluated: 2021-12-18. Review status: criteria provided, single submitter. Criteria: Invitae Variant Classification Sherloc (09022015). Collection method: clinical testing. Allele origin: germline.
Comment: This variant has not been reported in the literature in individuals affected with AR-related conditions. ClinVar contains an entry for this variant (Variation ID: 577402). Algorithms developed to predict the effect of sequence changes on RNA splicing suggest that this variant may create or strengthen a splice site. For these reasons, this variant has been classified as Pathogenic. This variant is not present in population databases (gnomAD no frequency). This sequence change creates a premature translational stop signal (p.Pro283Argfs*27) in the AR gene. It is expected to result in an absent or disrupted protein product. Loss-of-function variants in AR are known to be pathogenic (PMID: 19463997).

Literature cited by the submitters: PubMed 19463997.

NM_000044.6(AR):c.830_845dup (p.Pro283fs)

Gene: AR (androgen receptor; plus strand). Cytogenetic location: Xq12.
Variant type: Duplication.
Coding change: c.830_845dup on transcript NM_000044.6 (MANE Select); coding-DNA positions 830 to 845, 16 bases duplicated (CCGCTGTGCGTCCCAC).
Protein change: p.Pro283fs; shifts the reading frame from proline 283.
Molecular consequence: frameshift variant. On other transcripts: 5 prime UTR variant (1).
Genome position (GRCh38, 1-based): chrX:67,545,976-67,545,991, CCGCTGTGCGTCCCAC duplicated; duplicating any 16 consecutive bases within chrX:67,545,972-67,545,991 gives the same sequence; the c. name uses the placement nearest the transcript's 3' end. VCF-style (leftmost placement, unchanged base first): chrX-67545971-T-TCCACCCGCTGTGCGTC. GRCh37 (hg19) VCF-style: chrX-66765813-T-TCCACCCGCTGTGCGTC.
Other names: c.-954_-939dup (NM_001011645.3); c.830_845dup, p.Pro283fs (NM_001348061.1, NM_001348063.1, NM_001348064.1); short protein forms P283fs.
Identifiers: ClinVar variation 577402 (VCV000577402.6), dbSNP rs1569264288, ClinGen allele CA891844005.